The following is an entry in ClinVar:

ClinVar aggregate classification (germline): Pathogenic. Review status: criteria provided, single submitter (1 of 4 stars). 2 submissions from 2 submitters: Pathogenic (1). 1 of the submissions does not count toward it. Last evaluated 2023-01-08.

Conditions:
Osteogenesis imperfecta type 1, mild. Also called: OSTEOGENESIS IMPERFECTA, TYPE I, MILD. Identifiers: MedGen C4015950.
Osteogenesis imperfecta type I (OI1). Also called: OI, TYPE I; OSTEOGENESIS IMPERFECTA TARDA; OSTEOGENESIS IMPERFECTA WITH BLUE SCLERAE; Lobstein disease; Osteogenesis imperfecta type 1; Lobstein's Disease. Identifiers: Orphanet 216796, Orphanet 666, MedGen C0023931, MONDO:0008146, OMIM 166200. Disease mechanism: loss of function.

Submissions (2):

Labcorp Genetics (formerly Invitae), Labcorp
Classification: Pathogenic for Osteogenesis imperfecta type I. Last evaluated: 2023-01-08. Review status: criteria provided, single submitter. Criteria: Invitae Variant Classification Sherloc (09022015). Collection method: clinical testing. Allele origin: germline.
Comment: This variant is not present in population databases (gnomAD no frequency). For these reasons, this variant has been classified as Pathogenic. This variant disrupts the p.Gly221 amino acid residue in COL1A1. Other variant(s) that disrupt this residue have been observed in individuals with COL1A1-related conditions (PMID: 27011056, 27509835, 30886339), which suggests that this may be a clinically significant amino acid residue. This variant disrupts the triple helix domain of COL1A1. Glycine residues within the Gly-Xaa-Yaa repeats of the triple helix domain are required for the structure and stability of fibrillar collagens (PMID: 7695699, 8218237, 19344236). In COL1A1, variants affecting these glycine residues are significantly enriched in individuals with disease (PMID: 9016532, 17078022) compared to the general population (ExAC). Advanced modeling of protein sequence and biophysical properties (such as structural, functional, and spatial information, amino acid conservation, physicochemical variation, residue mobility, and thermodynamic stability) performed at Invitae indicates that this missense variant is expected to disrupt COL1A1 protein function. ClinVar contains an entry for this variant (Variation ID: 17320). This variant is also known as p.Gly43Cys. This missense change has been observed in individual(s) with clinical features of mild osteogenesis imperfecta type I (PMID: 1737847). This sequence change replaces glycine, which is neutral and non-polar, with cysteine, which is neutral and slightly polar, at codon 221 of the COL1A1 protein (p.Gly221Cys).

OMIM
Classification: Pathogenic for OSTEOGENESIS IMPERFECTA, TYPE I, MILD. Last evaluated: 1992-02-01. Review status: no assertion criteria provided. Collection method: literature only. Allele origin: germline. Not counted in ClinVar's aggregate classification.

Literature cited by the submitters: PubMed 27011056 (cited by Labcorp Genetics (formerly Invitae), Labcorp); PubMed 27509835 (cited by Labcorp Genetics (formerly Invitae), Labcorp); PubMed 30886339 (cited by Labcorp Genetics (formerly Invitae), Labcorp); PubMed 7695699 (cited by Labcorp Genetics (formerly Invitae), Labcorp); PubMed 8218237 (cited by Labcorp Genetics (formerly Invitae), Labcorp); PubMed 19344236 (cited by Labcorp Genetics (formerly Invitae), Labcorp); PubMed 9016532 (cited by Labcorp Genetics (formerly Invitae), Labcorp); PubMed 17078022 (cited by Labcorp Genetics (formerly Invitae), Labcorp); PubMed 1737847 (cited by Labcorp Genetics (formerly Invitae), Labcorp and OMIM).

NM_000088.4(COL1A1):c.661G>T (p.Gly221Cys)

Gene: COL1A1 (collagen type I alpha 1 chain; minus strand). Cytogenetic location: 17q21.33.
Variant type: single nucleotide variant.
Coding change: c.661G>T on transcript NM_000088.4 (MANE Select); coding-DNA position 661, G replaced by T.
Protein change: p.Gly221Cys; replaces glycine 221 with cysteine.
Molecular consequence: missense variant.
Genome position (GRCh38, 1-based): chr17:50,197,767, C>A on the plus strand (G>T on the coding strand, the complement: COL1A1 is on the minus strand). VCF-style: chr17-50197767-C-A. GRCh37 (hg19) VCF-style: chr17-48275128-C-A.
Other names: G43C; short protein forms G221C.
Identifiers: ClinVar variation 17320 (VCV000017320.10), dbSNP rs72667037, ClinGen allele CA127139.